The following is an entry in ClinVar:

ClinVar aggregate classification (germline): Uncertain significance (1 of 4 stars; one submission).

Conditions:
Hereditary cancer-predisposing syndrome. Also called: Tumor predisposition; Neoplastic Syndromes, Hereditary; Hereditary Cancer Syndrome; Hereditary neoplastic syndrome. Identifiers: Orphanet 140162, MedGen C0027672, MeSH D009386, MONDO:0015356.

Submission:

Ambry Genetics
Classification: Uncertain significance for Hereditary cancer-predisposing syndrome. Last evaluated: 2025-03-12. Review status: criteria provided, single submitter. Criteria: Ambry Variant Classification Scheme 2023. Collection method: clinical testing. Allele origin: germline.
Comment: The p.A522S variant (also known as c.1564G>T) is located in coding exon 14 of the MRE11A gene. The alanine at codon 522 is replaced by serine, an amino acid with similar properties. This change occurs in the first base pair of coding exon 14. This amino acid position is conserved. In addition, this alteration is predicted to be tolerated by in silico analysis. Based on the available evidence, the clinical significance of this variant remains unclear.

NM_005591.4(MRE11):c.1564G>T (p.Ala522Ser)

Gene: MRE11 (MRE11 double strand break repair nuclease; minus strand). Cytogenetic location: 11q21.
Variant type: single nucleotide variant.
Coding change: c.1564G>T on transcript NM_005591.4 (MANE Select); coding-DNA position 1564, G replaced by T.
Protein change: p.Ala522Ser; replaces alanine 522 with serine.
Molecular consequence: missense variant.
Genome position (GRCh38, 1-based): chr11:94,447,438, C>A on the plus strand (G>T on the coding strand, the complement: MRE11 is on the minus strand). VCF-style: chr11-94447438-C-A. GRCh37 (hg19) VCF-style: chr11-94180604-C-A.
Other names: c.1564G>T, p.Ala522Ser (NM_001330347.2, NM_005590.4); short protein forms A522S.
Identifiers: ClinVar variation 3874351 (VCV003874351.1).
Genomic context (GRCh38, chr11:94,447,438, plus strand): 5'-CACTAAAGGCAGAAGCAGACTCCTCTGACTGAGATCTGAGTGCTCTGGCCCTGGTCATAG[C>A]CTAAGAGGGAGAAGAAGGAGAAAGTACACACAATGAGATAACGTACCATCCTAAAAATCA-3'
Protein context (NP_005582.1, residues 512-532): TNEEDDEVRE[Ala522Ser]MTRARALRSQ